The following is an entry in ClinVar:

ClinVar aggregate classification (germline): Uncertain significance (1 of 4 stars; one submission).

Submission:

Labcorp Genetics (formerly Invitae), Labcorp
Classification: Uncertain significance. Last evaluated: 2023-03-22. Review status: criteria provided, single submitter. Criteria: Invitae Variant Classification Sherloc (09022015). Collection method: clinical testing. Allele origin: germline.
Comment: This sequence change falls in intron 3 of the C1S gene. It does not directly change the encoded amino acid sequence of the C1S protein. This variant is not present in population databases (gnomAD no frequency). This variant has not been reported in the literature in individuals affected with C1S-related conditions. Algorithms developed to predict the effect of sequence changes on RNA splicing suggest that this variant may create or strengthen a splice site. In summary, the available evidence is currently insufficient to determine the role of this variant in disease. Therefore, it has been classified as a Variant of Uncertain Significance.

NM_001734.5(C1S):c.214-7_214-3del

Gene: C1S (complement C1s; plus strand). Cytogenetic location: 12p13.31.
Variant type: Microsatellite.
Coding change: c.214-7_214-3del on transcript NM_001734.5 (MANE Select); 7 bases into the intron before coding-DNA position 214 through 3 bases into the intron before coding-DNA position 214, 5 bases deleted (CTCTT; older notation c.214-7_214-3delCTCTT).
Molecular consequence: intron variant.
Genome position (GRCh38, 1-based): chr12:7,062,883-7,062,887, CTCTT deleted; deleting any 5 consecutive bases within chr12:7,062,878-7,062,887 gives the same sequence; the c. name uses the placement nearest the transcript's 3' end. VCF-style (leftmost placement, unchanged base first): chr12-7062877-ACTCTT-A. GRCh37 (hg19) VCF-style: chr12-7170181-ACTCTT-A.
Other names: c.214-7_214-3del (NM_201442.4); c.-288-7_-288-3del (NM_001346850.2).
Identifiers: ClinVar variation 2955795 (VCV002955795.3), dbSNP rs1565619681, ClinGen allele CA919015875.